The following is an entry in ClinVar:

ClinVar aggregate classification (germline): Uncertain significance (1 of 4 stars; one submission).

Conditions:
Hereditary cancer-predisposing syndrome. Also called: Neoplastic Syndromes, Hereditary; Tumor predisposition; Hereditary neoplastic syndrome; Hereditary Cancer Syndrome. Identifiers: Orphanet 140162, MedGen C0027672, MeSH D009386, MONDO:0015356.

Submission:

Ambry Genetics
Classification: Uncertain significance for Hereditary cancer-predisposing syndrome. Last evaluated: 2026-07-07. Review status: criteria provided, single submitter. Criteria: Ambry Variant Classification Scheme 2023. Collection method: clinical testing. Allele origin: germline.
Comment: The p.G258S variant (also known as c.772G>A), located in coding exon 7 of the SUFU gene, results from a G to A substitution at nucleotide position 772. The glycine at codon 258 is replaced by serine, an amino acid with similar properties. This amino acid position is conserved. In addition, this alteration is predicted to be deleterious by in silico analysis. Based on the available evidence, the clinical significance of this variant remains unclear.

NM_016169.4(SUFU):c.772G>A (p.Gly258Ser)

Gene: SUFU (SUFU negative regulator of hedgehog signaling; plus strand). Cytogenetic location: 10q24.32.
Variant type: single nucleotide variant.
Coding change: c.772G>A on transcript NM_016169.4 (MANE Select); coding-DNA position 772, G replaced by A.
Protein change: p.Gly258Ser; replaces glycine 258 with serine.
Molecular consequence: missense variant.
Genome position (GRCh38, 1-based): chr10:102,597,155, G>A. VCF-style: chr10-102597155-G-A. GRCh37 (hg19) VCF-style: chr10-104356912-G-A.
Other names: c.772G>A, p.Gly258Ser (NM_001178133.2); short protein forms G258S.
Identifiers: ClinVar variation 5030408 (VCV005030408.1).